The following is an entry in ClinVar:

ClinVar aggregate classification (germline): Uncertain significance (1 of 4 stars; one submission).

Conditions:
Inborn genetic diseases. Identifiers: MedGen C0950123, MeSH D030342.

gnomAD v4.1: 10 of 1,608,408 alleles (0.00062%); highest among the groups gnomAD compares: Non-Finnish European, 0.00085%; no homozygotes.

Submission:

Ambry Genetics
Classification: Uncertain significance for Inborn genetic diseases. Last evaluated: 2026-02-16. Review status: criteria provided, single submitter. Criteria: Ambry Variant Classification Scheme 2023. Collection method: clinical testing. Allele origin: germline.
Comment: The p.S597N variant (also known as c.1790G>A), located in coding exon 20 of the RTEL1 gene, results from a G to A substitution at nucleotide position 1790. The serine at codon 597 is replaced by asparagine, an amino acid with highly similar properties. This amino acid position is conserved. In addition, this alteration is predicted to be tolerated by in silico analysis. Based on the available evidence, the clinical significance of this variant remains unclear.

NM_001283009.2(RTEL1):c.1790G>A (p.Ser597Asn)

Genes: RTEL1 (regulator of telomere elongation helicase 1; plus strand), RTEL1-TNFRSF6B (RTEL1-TNFRSF6B readthrough (NMD candidate); plus strand). Cytogenetic location: 20q13.33.
Variant type: single nucleotide variant.
Coding change: c.1790G>A on transcript NM_001283009.2 (MANE Select); coding-DNA position 1790, G replaced by A.
Protein change: p.Ser597Asn; replaces serine 597 with asparagine.
Molecular consequence: missense variant. On other transcripts: non-coding transcript variant (1).
Genome position (GRCh38, 1-based): chr20:63,688,595, G>A. VCF-style: chr20-63688595-G-A. GRCh37 (hg19) VCF-style: chr20-62319948-G-A.
Other names: c.1121G>A, p.Ser374Asn (NM_001283010.1); c.1790G>A, p.Ser597Asn (NM_016434.4); c.1862G>A, p.Ser621Asn (NM_032957.5); short protein forms S597N, S621N, S374N.
Identifiers: ClinVar variation 4825680 (VCV004825680.1).
Genomic context (GRCh38, chr20:63,688,595, plus strand): 5'-ACTTGGCCAGGAAGATGGAGGCGCTGAAGCCGCTGTTTGTGGAGCCCAGGAGCAAAGGCA[G>A]CTTCTCCGAGGTCGGCACTTGGCCGGGGCTCTGGGCCTGCTGCCCCCTCGTGCCTCCCCT-3'
Protein context (NP_001269938.1, residues 587-607): PLFVEPRSKG[Ser597Asn]FSETISAYYA